The following is an entry in ClinVar:

NM_000051.4(ATM):c.8202G>A (p.Met2734Ile)

Genes: ATM (ATM serine/threonine kinase; plus strand), C11orf65 (chromosome 11 open reading frame 65; minus strand). Cytogenetic location: 11q22.3.
Variant type: single nucleotide variant.
Coding change: c.8202G>A on transcript NM_000051.4 (MANE Select); coding-DNA position 8202, G replaced by A.
Protein change: p.Met2734Ile; replaces methionine 2734 with isoleucine.
Molecular consequence: missense variant. On other transcripts: intron variant (2).
Genome position (GRCh38, 1-based): chr11:108,335,895, G>A. VCF-style: chr11-108335895-G-A. GRCh37 (hg19) VCF-style: chr11-108206622-G-A.
Other names: c.8202G>A, p.Met2734Ile (NM_001351834.2); c.641-26824C>T (NM_001330368.2); c.695-603C>T (NM_001351110.2); short protein forms M2734I.
Identifiers: ClinVar variation 948181 (VCV000948181.11), dbSNP rs2086792007, ClinGen allele CA382562563.

ClinVar aggregate classification (germline): Uncertain significance. Review status: criteria provided, multiple submitters, no conflicts (2 of 4 stars). 2 submissions from 2 submitters: Uncertain significance (2). Last evaluated 2024-04-19.

Conditions:
Hereditary cancer-predisposing syndrome. Also called: Tumor predisposition; Neoplastic Syndromes, Hereditary; Hereditary neoplastic syndrome; Hereditary Cancer Syndrome. Identifiers: Orphanet 140162, MedGen C0027672, MeSH D009386, MONDO:0015356.
Ataxia-telangiectasia syndrome (AT). Also called: Ataxia-telangiectasia, complementation group D; AT, COMPLEMENTATION GROUP C; ATAXIA-TELANGIECTASIA, COMPLEMENTATION GROUP A; ATAXIA-TELANGIECTASIA, FRESNO VARIANT; Ataxia-telangiectasia; Ataxia telangiectasia (A-T). Identifiers: Orphanet 100, MedGen C0004135, MONDO:0008840, OMIM 208900.

Allele frequency attached by ClinVar (database versions not stated): gnomAD exomes below 0.00001.
gnomAD v4.1: 1 of 1,614,038 alleles (0.000062%); highest among the groups gnomAD compares: Non-Finnish European, 0.000085%; no homozygotes.

Submissions (2):

Ambry Genetics
Classification: Uncertain significance for Hereditary cancer-predisposing syndrome. Last evaluated: 2024-04-19. Review status: criteria provided, single submitter. Criteria: Ambry Variant Classification Scheme 2023. Collection method: clinical testing. Allele origin: germline.
Comment: The p.M2734I variant (also known as c.8202G>A), located in coding exon 55 of the ATM gene, results from a G to A substitution at nucleotide position 8202. The methionine at codon 2734 is replaced by isoleucine, an amino acid with highly similar properties. This amino acid position is conserved. In addition, the in silico prediction for this alteration is inconclusive. Based on the available evidence, the clinical significance of this variant remains unclear.

Labcorp Genetics (formerly Invitae), Labcorp
Classification: Uncertain significance for Ataxia-telangiectasia syndrome. Last evaluated: 2019-04-26. Review status: criteria provided, single submitter. Criteria: Invitae Variant Classification Sherloc (09022015). Collection method: clinical testing. Allele origin: germline.
Comment: This sequence change replaces methionine with isoleucine at codon 2734 of the ATM protein (p.Met2734Ile). The methionine residue is moderately conserved and there is a small physicochemical difference between methionine and isoleucine. This variant is not present in population databases (ExAC no frequency). This variant has not been reported in the literature in individuals with ATM-related disease. Algorithms developed to predict the effect of missense changes on protein structure and function (SIFT, PolyPhen-2, Align-GVGD) all suggest that this variant is likely to be tolerated, but these predictions have not been confirmed by published functional studies and their clinical significance is uncertain. In summary, the available evidence is currently insufficient to determine the role of this variant in disease. Therefore, it has been classified as a Variant of Uncertain Significance.